The following is an entry in ClinVar:

ClinVar aggregate classification (germline): Conflicting classifications of pathogenicity. Review status: criteria provided, conflicting classifications (1 of 4 stars). 4 submissions from 4 submitters: Uncertain significance (3); Likely benign (1). Last evaluated 2025-12-10.

Conditions:
Cardiomyopathy (CMYO). Also called: Cardiomyopathies. Identifiers: Orphanet 167848, MedGen C0878544, MONDO:0004994, HP:0001638. Inheritance: Various modes of inheritance.
TTN-related disorder. Also called: TTN-related disorders; TTN-related condition; TTN-related disease.

Allele frequency attached by ClinVar (database versions not stated): gnomAD exomes 0.00002 and 0.00004; ExAC 0.00003; gnomAD 0.00003 and 0.00005; TOPMed 0.00008.
gnomAD v4.1: 63 of 1,613,186 alleles (0.0039%); highest among the groups gnomAD compares: East Asian, 0.011%; no homozygotes.

Submissions (4):

PreventionGenetics, part of Exact Sciences
Classification: Uncertain significance for TTN-related condition. Last evaluated: 2025-12-10. Review status: criteria provided, single submitter. Criteria: ACMG Guidelines, 2015. Collection method: clinical testing. Allele origin: germline.
Comment: The TTN c.18267T>A variant is predicted to result in the amino acid substitution p.Asp6089Glu. This variant has been reported in a cohort study of individuals with inherited skeletal muscle diseases; however, no case-level clinical information was provided (Savarese et al. 2020. PubMed ID: 32039858). This variant is reported in 0.0036% of alleles in individuals of European (Non-Finnish) descent in gnomAD. At this time, the clinical significance of this variant is uncertain due to the absence of conclusive functional and genetic evidence.

CHEO Genetics Diagnostic Laboratory, Children's Hospital of Eastern Ontario
Classification: Uncertain significance for Cardiomyopathy. Last evaluated: 2021-04-01. Review status: criteria provided, single submitter. Criteria: ACMG Guidelines, 2015. Collection method: clinical testing. Allele origin: germline.

Revvity Omics, Revvity
Classification: Uncertain significance. Last evaluated: 2020-03-31. Review status: criteria provided, single submitter. Criteria: ACMG Guidelines, 2015. Collection method: clinical testing. Allele origin: germline.

GeneDx
Classification: Likely benign. Last evaluated: 2018-04-27. Review status: criteria provided, single submitter. Criteria: GeneDx Variant Classification (06012015). Collection method: clinical testing. Allele origin: germline. Affected: yes.
Comment: This variant is considered likely benign or benign based on one or more of the following criteria: it is a conservative change, it occurs at a poorly conserved position in the protein, it is predicted to be benign by multiple in silico algorithms, and/or has population frequency not consistent with disease.

NM_001267550.2(TTN):c.18267T>A (p.Asp6089Glu)

Genes: TTN (titin; minus strand), LOC126806430 (BRD4-independent group 4 enhancer GRCh37_chr2:179593794-179594993; plus strand). Cytogenetic location: 2q31.2.
Variant type: single nucleotide variant.
Coding change: c.18267T>A on transcript NM_001267550.2 (MANE Select); coding-DNA position 18267, T replaced by A.
Protein change: p.Asp6089Glu; replaces aspartic acid 6089 with glutamic acid.
Molecular consequence: missense variant. On other transcripts: intron variant (3).
Genome position (GRCh38, 1-based): chr2:178,730,133, A>T on the plus strand (T>A on the coding strand, the complement: TTN is on the minus strand). VCF-style: chr2-178730133-A-T. GRCh37 (hg19) VCF-style: chr2-179594860-A-T.
Other names: c.17316T>A, p.Asp5772Glu (NM_001256850.1); c.14535T>A, p.Asp4845Glu (NM_133378.4); c.13282+7949T>A (NM_003319.4); c.13858+7949T>A (NM_133437.4); c.13657+7949T>A (NM_133432.3); short protein forms D4845E, D6089E, D5772E.
Identifiers: ClinVar variation 682313 (VCV000682313.7), dbSNP rs754848806, ClinGen allele CA2001652.